The following is an entry in ClinVar:

NM_001127671.2(LIFR):c.1708T>A (p.Ser570Thr)

Gene: LIFR (LIF receptor subunit alpha; minus strand). Cytogenetic location: 5p13.1.
Variant type: single nucleotide variant.
Coding change: c.1708T>A on transcript NM_001127671.2 (MANE Select); coding-DNA position 1708, T replaced by A.
Protein change: p.Ser570Thr; replaces serine 570 with threonine.
Molecular consequence: missense variant.
Genome position (GRCh38, 1-based): chr5:38,496,559, A>T on the plus strand (T>A on the coding strand, the complement: LIFR is on the minus strand). VCF-style: chr5-38496559-A-T. GRCh37 (hg19) VCF-style: chr5-38496661-A-T.
Other names: c.1708T>A, p.Ser570Thr (NM_001364297.2, NM_001364298.2, NM_002310.6); short protein forms S570T.
Identifiers: ClinVar variation 1360223 (VCV001360223.8), dbSNP rs2112430998, ClinGen allele CA359540251.

ClinVar aggregate classification (germline): Uncertain significance (1 of 4 stars; one submission).

gnomAD v4.1: 1 of 1,613,898 alleles (0.000062%); highest among the groups gnomAD compares: Non-Finnish European, 0.000085%; no homozygotes.

Submission:

Labcorp Genetics (formerly Invitae), Labcorp
Classification: Uncertain significance. Last evaluated: 2021-02-05. Review status: criteria provided, single submitter. Criteria: Invitae Variant Classification Sherloc (09022015). Collection method: clinical testing. Allele origin: germline.
Comment: In summary, the available evidence is currently insufficient to determine the role of this variant in disease. Therefore, it has been classified as a Variant of Uncertain Significance. Algorithms developed to predict the effect of missense changes on protein structure and function are either unavailable or do not agree on the potential impact of this missense change (SIFT: "Deleterious"; PolyPhen-2: "Benign"; Align-GVGD: "Class C0"). This variant has not been reported in the literature in individuals with LIFR-related conditions. This variant is not present in population databases (ExAC no frequency). This sequence change replaces serine with threonine at codon 570 of the LIFR protein (p.Ser570Thr). The serine residue is highly conserved and there is a small physicochemical difference between serine and threonine.